The following is an entry in ClinVar:

ClinVar aggregate classification (germline): Pathogenic (1 of 4 stars; one submission).

Conditions:
Deficiency of alpha-mannosidase (MANSA). Also called: Alpha-Mannosidosis; LYSOSOMAL ALPHA-D-MANNOSIDASE DEFICIENCY; Mannosidosis, alpha-, types I and II. Identifiers: Orphanet 61, MedGen C0024748, MONDO:0009561, OMIM 248500.

Submission:

Labcorp Genetics (formerly Invitae), Labcorp
Classification: Pathogenic for Deficiency of alpha-mannosidase. Last evaluated: 2019-06-20. Review status: criteria provided, single submitter. Criteria: Invitae Variant Classification Sherloc (09022015). Collection method: clinical testing. Allele origin: germline.
Comment: This sequence change creates a premature translational stop signal (p.Val156*) in the MAN2B1 gene. It is expected to result in an absent or disrupted protein product. This variant is not present in population databases (ExAC no frequency). For these reasons, this variant has been classified as Pathogenic. Loss-of-function variants in MAN2B1 are known to be pathogenic (PMID: 9915946, 22161967). Algorithms developed to predict the effect of sequence changes on RNA splicing suggest that this variant may create or strengthen a splice site, but this prediction has not been confirmed by published transcriptional studies. This variant has not been reported in the literature in individuals with MAN2B1-related conditions.

Literature cited by the submitters: PubMed 9915946; PubMed 22161967.

NM_000528.4(MAN2B1):c.466del (p.Trp155_Val156insTer)

Gene: MAN2B1 (mannosidase alpha class 2B member 1; minus strand). Cytogenetic location: 19p13.13.
Variant type: Deletion.
Coding change: c.466del on transcript NM_000528.4 (MANE Select); coding-DNA position 466, one base deleted (G; older notation c.466delG).
Protein change: p.Trp155_Val156insTer.
Molecular consequence: nonsense.
Genome position (GRCh38, 1-based): chr19:12,664,956, C deleted on the plus strand (G on the coding strand, the reverse complement: MAN2B1 is on the minus strand); the first of 3 consecutive C bases (chr19:12,664,956-12,664,958); deleting any one gives the same sequence. VCF-style (leftmost placement, unchanged base first): chr19-12664955-AC-A. GRCh37 (hg19) VCF-style: chr19-12775769-AC-A.
Other names: c.466del, p.Trp155_Val156insTer (NM_001173498.2).
Identifiers: ClinVar variation 935839 (VCV000935839.7), dbSNP rs2024192356, ClinGen allele CA1139666293.